The following is an entry in ClinVar:

NM_001282225.2(ADA2):c.1072G>A (p.Gly358Arg)

Gene: ADA2 (adenosine deaminase 2; minus strand). Cytogenetic location: 22q11.1.
Variant type: single nucleotide variant.
Coding change: c.1072G>A on transcript NM_001282225.2 (MANE Select); coding-DNA position 1072, G replaced by A.
Protein change: p.Gly358Arg; replaces glycine 358 with arginine.
Molecular consequence: missense variant.
Genome position (GRCh38, 1-based): chr22:17,188,348, C>T on the plus strand (G>A on the coding strand, the complement: ADA2 is on the minus strand). VCF-style: chr22-17188348-C-T. GRCh37 (hg19) VCF-style: chr22-17669238-C-T.
Other names: c.1072G>A, p.Gly358Arg (NM_001282226.2); c.946G>A, p.Gly316Arg (NM_001282227.2, NM_001282228.2); c.712G>A, p.Gly238Arg (NM_001282229.2); c.349G>A, p.Gly117Arg (NM_177405.3); short protein forms G316R, G358R, G117R, G238R.
Identifiers: ClinVar variation 420337 (VCV000420337.19), dbSNP rs45511697, ClinGen allele CA10087985.

ClinVar aggregate classification (germline): Pathogenic. Review status: criteria provided, multiple submitters, no conflicts (2 of 4 stars). 7 submissions from 7 submitters: Pathogenic (7). Last evaluated 2025-10-21.

Conditions:
ADA2-related disorder. Also called: ADA2-related condition.
Deficiency of adenosine deaminase 2. Also called: VASCULITIS, AUTOINFLAMMATION, IMMUNODEFICIENCY, AND HEMATOLOGIC DEFECTS SYNDROME; Adenosine Deaminase 2 Deficiency; Polyarteritis nodosa, childhoood-onset. Identifiers: Orphanet 404553, MedGen C3887654, MONDO:0014306, OMIM 615688, MONDO:0100317.

Allele frequency attached by ClinVar (database versions not stated): ExAC 0.00002; gnomAD exomes 0.00002; TOPMed 0.00003; gnomAD 0.00005 and 0.00006; ESP Exome Variant Server 0.00008; 1000 Genomes Project 0.00020; 1000 Genomes Project 30x 0.00031.
gnomAD v4.1: 33 of 1,613,038 alleles (0.002%); highest among the groups gnomAD compares: African/African-American, 0.0093%; no homozygotes.

Submissions (7):

Labcorp Genetics (formerly Invitae), Labcorp
Classification: Pathogenic for Deficiency of adenosine deaminase 2. Last evaluated: 2025-10-21. Review status: criteria provided, single submitter. Criteria: Invitae Variant Classification Sherloc (09022015). Collection method: clinical testing. Allele origin: germline.
Comment: This sequence change replaces glycine, which is neutral and non-polar, with arginine, which is basic and polar, at codon 358 of the ADA2 protein (p.Gly358Arg). This variant is present in population databases (rs45511697, gnomAD 0.01%). This missense change has been observed in individual(s) with deficiency of adenosine deaminase 2 (PMID: 28805790, 28974505, 30503522, 31015188, 31043544). In at least one individual the data is consistent with being in trans (on the opposite chromosome) from a pathogenic variant. It has also been observed to segregate with disease in related individuals. ClinVar contains an entry for this variant (Variation ID: 420337). Invitae Evidence Modeling of protein sequence and biophysical properties (such as structural, functional, and spatial information, amino acid conservation, physicochemical variation, residue mobility, and thermodynamic stability) indicates that this missense variant is expected to disrupt ADA2 protein function with a positive predictive value of 95%. For these reasons, this variant has been classified as Pathogenic.

PreventionGenetics, part of Exact Sciences
Classification: Pathogenic for ADA2-related condition. Last evaluated: 2025-08-13. Review status: criteria provided, single submitter. Criteria: ACMG Guidelines, 2015. Collection method: clinical testing. Allele origin: germline.
Comment: The ADA2 c.1072G>A variant is predicted to result in the amino acid substitution p.Gly358Arg. This variant has been reported in the homozygous state or along with a second variant in this gene, in multiple individuals with ADA2-deficiency or Diamond-Blackfan anemia (Hashem et al. 2017. PubMed ID: 28974505; Reported as CECR1 chr22:17669238:C>T in Ulirsch et al. 2018. PubMed ID: 30503522; Özen et al. 2020. PubMed ID: 31043544; Table S5, Sharma et al. 2020. PubMed ID: 32892503; Nihira et al. 2021. PubMed ID: 33529688; Wang et al. 2021. PubMed ID: 33757531). Functional studies suggest that this variant led to low level of ADA2 plasma activity (Jee et al. 2021. PubMed ID: 34004258). This variant is reported in 0.0098% of alleles in individuals of South Asian descent in gnomAD. This variant is interpreted as pathogenic.

Revvity Omics, Revvity
Classification: Pathogenic. Last evaluated: 2025-07-30. Review status: criteria provided, single submitter. Criteria: ACMG Guidelines, 2015. Collection method: clinical testing. Allele origin: germline.

Women's Health and Genetics/Laboratory Corporation of America, LabCorp
Classification: Pathogenic for Deficiency of adenosine deaminase 2. Last evaluated: 2024-11-26. Review status: criteria provided, single submitter. Criteria: LabCorp Variant Classification Summary - May 2015. Collection method: clinical testing. Allele origin: germline.
Comment: Variant summary: ADA2 c.1072G>A (p.Gly358Arg), also reported as G316R, results in a non-conservative amino acid change located in the Adenosine deaminase domain (IPR001365) of the encoded protein sequence. Five of five in-silico tools predict a damaging effect of the variant on protein function. The variant allele was found at a frequency of 2e-05 in 1613038 control chromosomes. This frequency is not significantly higher than estimated for a pathogenic variant in ADA2 causing Vasculitis due to ADA2 deficiency (2e-05 vs 0.0011). c.1072G>A has been reported in the literature in the presumed compound heterozygous or homozygous state in multiple individuals affected with ADA2 deficiency (example, Kaljas_2017, Simon_2020). These data indicate that the variant is likely to be associated with disease. At least one publication reports experimental evidence evaluating an impact on protein function. The most pronounced variant effect results in <10% of normal activity in vitro (example, Jee_2022). The following publications have been ascertained in the context of this evaluation (PMID: 34004258, 27663683, 32135276). ClinVar contains an entry for this variant (Variation ID: 420337). Based on the evidence outlined above, the variant was classified as pathogenic.

GeneDx
Classification: Pathogenic. Last evaluated: 2024-11-14. Review status: criteria provided, single submitter. Criteria: GeneDx Variant Classification Process June 2021. Collection method: clinical testing. Allele origin: germline. Affected: yes.
Comment: Published functional studies demonstrate a damaging effect: reduced ADA2 enzymatic activity (PMID: 33529688, 34004258); In silico analysis supports that this missense variant has a deleterious effect on protein structure/function; This variant is associated with the following publications: (PMID: 36807221, 34324127, 34426522, 30503522, 31043544, 28974505, 32892503, 33529688, 33757531, 34004258, 28805790, 31015188, 31945408)

Blueprint Genetics
Classification: Pathogenic for ADA2-related disorders. Last evaluated: 2024-08-16. Review status: criteria provided, single submitter. Criteria: ACMG Guidelines, 2015. Collection method: clinical testing. Allele origin: germline. Affected: yes. Observed: 5 variant alleles.

Genomics Facility, Ludwig-Maximilians-Universität München
Classification: Pathogenic for Deficiency of adenosine deaminase 2. Last evaluated: 2021-12-28. Review status: criteria provided, single submitter. Criteria: ACMG Guidelines, 2015. Collection method: clinical testing. Allele origin: biparental. Inheritance: Autosomal recessive inheritance. Affected: yes.

Literature cited by the submitters: PubMed 28805790 (cited by Labcorp Genetics (formerly Invitae), Labcorp); PubMed 28974505 (cited by Labcorp Genetics (formerly Invitae), Labcorp); PubMed 30503522 (cited by Labcorp Genetics (formerly Invitae), Labcorp); PubMed 31015188 (cited by Labcorp Genetics (formerly Invitae), Labcorp); PubMed 31043544 (cited by Labcorp Genetics (formerly Invitae), Labcorp); PubMed 32135276 (cited by Women's Health and Genetics/Laboratory Corporation of America, LabCorp); PubMed 34004258 (cited by Women's Health and Genetics/Laboratory Corporation of America, LabCorp); PubMed 27663683 (cited by Women's Health and Genetics/Laboratory Corporation of America, LabCorp).